The following is an entry in ClinVar:

ClinVar aggregate classification (germline): Uncertain significance (1 of 4 stars; one submission).

Submission:

Labcorp Genetics (formerly Invitae), Labcorp
Classification: Uncertain significance. Last evaluated: 2024-11-24. Review status: criteria provided, single submitter. Criteria: Invitae Variant Classification Sherloc (09022015). Collection method: clinical testing. Allele origin: germline.
Comment: This variant, c.6801_6803dup, results in the insertion of 1 amino acid(s) of the IGSF10 protein (p.Ser2268dup), but otherwise preserves the integrity of the reading frame. This variant is present in population databases (no rsID available, gnomAD 0.007%). This variant has not been reported in the literature in individuals affected with IGSF10-related conditions. In summary, the available evidence is currently insufficient to determine the role of this variant in disease. Therefore, it has been classified as a Variant of Uncertain Significance.

NM_178822.5(IGSF10):c.6801_6803dup (p.Ser2268_Pro2269insSer)

Gene: IGSF10 (immunoglobulin superfamily member 10; minus strand). Cytogenetic location: 3q25.1.
Variant type: Duplication.
Coding change: c.6801_6803dup on transcript NM_178822.5 (MANE Select); coding-DNA positions 6801 to 6803, 3 bases duplicated (ATC; older notation c.6801_6803dupATC).
Protein change: p.Ser2268_Pro2269insSer.
Molecular consequence: inframe insertion.
Genome position (GRCh38, 1-based): chr3:151,437,758-151,437,760, GAT duplicated on the plus strand (ATC on the coding strand, the reverse complement: IGSF10 is on the minus strand); duplicating any 3 consecutive bases within chr3:151,437,758-151,437,761 gives the same sequence; the c. name uses the placement nearest the transcript's 3' end. VCF-style (leftmost placement, unchanged base first): chr3-151437757-A-AGAT. GRCh37 (hg19) VCF-style: chr3-151155545-A-AGAT.
Other names: c.738_740dup, p.Ser247_Pro248insSer (NM_001178145.3, NM_001178146.3); c.6801_6803dup, p.Ser2268_Pro2269insSer (NM_001385060.1, NM_001385061.1, NM_001385062.1 and 1 more transcripts).
Identifiers: ClinVar variation 3613962 (VCV003613962.2).